The following is an entry in ClinVar:

NM_001127511.3(APC):c.-63G>C

Gene: APC (APC regulator of Wnt signaling pathway; plus strand). Cytogenetic location: 5q22.2.
Variant type: single nucleotide variant.
Coding change: c.-63G>C on transcript NM_001127511.3; 63 bases upstream of the start codon, G replaced by C.
Molecular consequence: 5 prime UTR variant. On other transcripts: non-coding transcript variant (1), intron variant (5).
Genome position (GRCh38, 1-based): chr5:112,707,655, G>C. VCF-style: chr5-112707655-G-C. GRCh37 (hg19) VCF-style: chr5-112043352-G-C.
Other names: c.-246G>C (NM_001354895.2, NM_001407447.1, NM_001407452.1 and 3 more transcripts); c.-63G>C (NM_001354897.2, NM_001354902.2, NM_001407446.1); c.-1281G>C (NM_001407470.1, NM_001407472.1); c.-19+6G>C (NM_001407448.1, NM_001407450.1, NM_001407457.1 and 1 more transcripts); c.-43+6G>C (NM_001407453.1).
Identifiers: ClinVar variation 1053842 (VCV001053842.9), dbSNP rs1369215546, ClinGen allele CA802057238.

ClinVar aggregate classification (germline): Uncertain significance (1 of 4 stars; one submission).

Conditions:
Familial adenomatous polyposis 1 (FAP1). Also called: FAMILIAL ADENOMATOUS POLYPOSIS 1, ATTENUATED; POLYPOSIS, ADENOMATOUS INTESTINAL. Identifiers: MedGen C2713442, MONDO:0021056, OMIM 175100. Disease mechanism: loss of function.

Allele frequency attached by ClinVar (database versions not stated): TOPMed below 0.00001; gnomAD 0.00001.

Submission:

Labcorp Genetics (formerly Invitae), Labcorp
Classification: Uncertain significance for Familial adenomatous polyposis 1. Last evaluated: 2023-03-27. Review status: criteria provided, single submitter. Criteria: Invitae Variant Classification Sherloc (09022015). Collection method: clinical testing. Allele origin: germline.
Comment: This variant occurs in a non-coding region of the APC gene. It does not change the encoded amino acid sequence of the APC protein. This variant is not present in population databases (gnomAD no frequency). This variant has not been reported in the literature in individuals affected with APC-related conditions. Experimental studies and prediction algorithms are not available or were not evaluated, and the functional significance of this variant is currently unknown. In summary, the available evidence is currently insufficient to determine the role of this variant in disease. Therefore, it has been classified as a Variant of Uncertain Significance.